The following is an entry in ClinVar:

ClinVar aggregate classification (germline): Likely pathogenic (0 of 4 stars; one submission).

Conditions:
Combined immunodeficiency due to LRBA deficiency. Also called: Common variable immunodeficiency 8, with autoimmunity. Identifiers: Orphanet 445018, MedGen C3553512, MONDO:0013863, OMIM 614700.

Submission:

National Institute of Immunohaematology, Indian Council of Medical Research
Classification: Likely pathogenic for Combined immunodeficiency due to LRBA deficiency. Review status: no assertion criteria provided. Collection method: research. Allele origin: germline. Inheritance: Autosomal recessive inheritance. Affected: yes. Observed: 1 compound heterozygote.
Comment: This variant is predicted to be deleterious by insilico tools and is not identified in public databases like gnomAD, 1000genome.

Literature cited by the submitters: DOI 10.22541/AU.167602149.93712918/V1.

NM_001364905.1(LRBA):c.4300_4301del (p.Met1434fs)

Gene: LRBA (LPS responsive beige-like anchor protein; minus strand). Cytogenetic location: 4q31.3.
Variant type: Deletion.
Coding change: c.4300_4301del on transcript NM_001364905.1 (MANE Select); coding-DNA positions 4300 to 4301, 2 bases deleted (AT; older notation c.4300_4301delAT).
Protein change: p.Met1434fs; shifts the reading frame from methionine 1434.
Molecular consequence: frameshift variant.
Genome position (GRCh38, 1-based): chr4:150,848,856-150,848,857, AT deleted on the plus strand (AT on the coding strand, the reverse complement: LRBA is on the minus strand); deleting any 2 consecutive bases within chr4:150,848,856-150,848,858 gives the same sequence; the c. name uses the placement nearest the transcript's 3' end. VCF-style (leftmost placement, unchanged base first): chr4-150848855-CAT-C. GRCh37 (hg19) VCF-style: chr4-151770007-CAT-C.
Other names: c.4300_4301delAT (NM_006726.4); c.4299_4300delTA, p.Met1434Valfs (NM_001199282.3, NM_006726.5); c.4300_4301del, p.Met1434fs (NM_001367550.1); short protein forms M1434fs.
Identifiers: ClinVar variation 3600290 (VCV003600290.2).
Genomic context (GRCh38, chr4:150,848,855, plus strand): 5'-CCCAACGGTTTTTAGCAGCTCACCTAGTCGGAGACACTGCCGCAAAATTCCTCCAGATGA[CAT>C]ACTTTTTTCAGCTTCAATTTCAGTAAAGCCAAGAGAACTTGCAAATATAAGCACATCCAC-3'